The following is an entry in ClinVar:

ClinVar aggregate classification (germline): Uncertain significance (1 of 4 stars; one submission).

Submission:

GeneDx
Classification: Uncertain significance. Last evaluated: 2025-09-08. Review status: criteria provided, single submitter. Criteria: GeneDx Variant Classification Process June 2021. Collection method: clinical testing. Allele origin: germline.
Comment: Not observed at significant frequency in large population cohorts (gnomAD); In silico analysis supports that this missense variant has a deleterious effect on protein structure/function; Has not been previously published as pathogenic or benign to our knowledge

NM_003745.2(SOCS1):c.380G>T (p.Arg127Leu)

Gene: SOCS1 (suppressor of cytokine signaling 1; minus strand). Cytogenetic location: 16p13.13.
Variant type: single nucleotide variant.
Coding change: c.380G>T on transcript NM_003745.2 (MANE Select); coding-DNA position 380, G replaced by T.
Protein change: p.Arg127Leu; replaces arginine 127 with leucine.
Molecular consequence: missense variant.
Genome position (GRCh38, 1-based): chr16:11,255,099, C>A on the plus strand (G>T on the coding strand, the complement: SOCS1 is on the minus strand). VCF-style: chr16-11255099-C-A. GRCh37 (hg19) VCF-style: chr16-11348956-C-A.
Other names: short protein forms R127L.
Identifiers: ClinVar variation 4056873 (VCV004056873.2).
Genomic context (GRCh38, chr16:11,255,099, plus strand): 5'-AGGCAGTCGAAGCTCTCGCGGCTGCCATCCAGGTGAAAGCGGCCGGCCTGAAAGTGCACG[C>A]GGATGCTCGTGGGTCCCGAGGCCATCTTCACGCTAAGGGCGAAAAAGCAGTTCCGCTGGC-3'
Protein context (NP_003736.1, residues 117-137): VKMASGPTSI[Arg127Leu]VHFQAGRFHL